The following is an entry in ClinVar:

NM_020338.4(ZMIZ1):c.3008A>C (p.His1003Pro)

Gene: ZMIZ1 (zinc finger MIZ-type containing 1; plus strand). Cytogenetic location: 10q22.3.
Variant type: single nucleotide variant.
Coding change: c.3008A>C on transcript NM_020338.4 (MANE Select); coding-DNA position 3008, A replaced by C.
Protein change: p.His1003Pro; replaces histidine 1003 with proline.
Molecular consequence: missense variant.
Genome position (GRCh38, 1-based): chr10:79,311,096, A>C. VCF-style: chr10-79311096-A-C. GRCh37 (hg19) VCF-style: chr10-81070853-A-C.
Other names: short protein forms H1003P.
Identifiers: ClinVar variation 3730977 (VCV003730977.2).

ClinVar aggregate classification (germline): Uncertain significance (1 of 4 stars; one submission).

Submission:

GeneDx
Classification: Uncertain significance. Last evaluated: 2026-03-25. Review status: criteria provided, single submitter. Criteria: GeneDx Variant Classification Process June 2021. Collection method: clinical testing. Allele origin: germline.
Comment: Not observed at significant frequency in large population cohorts (gnomAD); In silico analysis suggests that this missense variant does not alter protein structure/function; Has not been previously published as pathogenic or benign to our knowledge